The following is an entry in ClinVar:

NM_015559.3(SETBP1):c.1676C>T (p.Pro559Leu)

Gene: SETBP1 (SET binding protein 1; plus strand). Cytogenetic location: 18q12.3.
Variant type: single nucleotide variant.
Coding change: c.1676C>T on transcript NM_015559.3 (MANE Select); coding-DNA position 1676, C replaced by T.
Protein change: p.Pro559Leu; replaces proline 559 with leucine.
Molecular consequence: missense variant.
Genome position (GRCh38, 1-based): chr18:44,951,016, C>T. VCF-style: chr18-44951016-C-T. GRCh37 (hg19) VCF-style: chr18-42530981-C-T.
Other names: c.1676C>T, p.Pro559Leu (NM_001379141.1, NM_001379142.1, NM_001410862.1); short protein forms P559L.
Identifiers: ClinVar variation 3704325 (VCV003704325.2).

ClinVar aggregate classification (germline): Uncertain significance (1 of 4 stars; one submission).

gnomAD v4.1: 4 of 1,613,972 alleles (0.00025%); highest among the groups gnomAD compares: Non-Finnish European, 0.00034%; no homozygotes.

Submission:

Labcorp Genetics (formerly Invitae), Labcorp
Classification: Uncertain significance. Last evaluated: 2024-03-10. Review status: criteria provided, single submitter. Criteria: Invitae Variant Classification Sherloc (09022015). Collection method: clinical testing. Allele origin: germline.
Comment: This sequence change replaces proline, which is neutral and non-polar, with leucine, which is neutral and non-polar, at codon 559 of the SETBP1 protein (p.Pro559Leu). This variant is not present in population databases (gnomAD no frequency). This variant has not been reported in the literature in individuals affected with SETBP1-related conditions. Advanced modeling of protein sequence and biophysical properties (such as structural, functional, and spatial information, amino acid conservation, physicochemical variation, residue mobility, and thermodynamic stability) performed at Invitae indicates that this missense variant is expected to disrupt SETBP1 protein function with a positive predictive value of 80%. In summary, the available evidence is currently insufficient to determine the role of this variant in disease. Therefore, it has been classified as a Variant of Uncertain Significance.